The following is an entry in ClinVar:

NM_000069.3(CACNA1S):c.3686G>C (p.Arg1229Pro)

Gene: CACNA1S (calcium voltage-gated channel subunit alpha1 S; minus strand). Cytogenetic location: 1q32.1.
Variant type: single nucleotide variant.
Coding change: c.3686G>C on transcript NM_000069.3 (MANE Select); coding-DNA position 3686, G replaced by C.
Protein change: p.Arg1229Pro; replaces arginine 1229 with proline.
Molecular consequence: missense variant.
Genome position (GRCh38, 1-based): chr1:201,053,568, C>G on the plus strand (G>C on the coding strand, the complement: CACNA1S is on the minus strand). VCF-style: chr1-201053568-C-G. GRCh37 (hg19) VCF-style: chr1-201022696-C-G.
Other names: short protein forms R1229P.
Identifiers: ClinVar variation 496658 (VCV000496658.11), dbSNP rs774416016, ClinGen allele CA082755.

ClinVar aggregate classification (germline): Conflicting classifications of pathogenicity. Review status: criteria provided, conflicting classifications (1 of 4 stars). 2 submissions from 2 submitters: Uncertain significance (1); Likely benign (1). Last evaluated 2023-06-03.

Conditions:
Malignant hyperthermia, susceptibility to, 5 (MHS5). Also called: CACNA1S-Related Malignant Hyperthermia Susceptibility. Identifiers: Orphanet 423, MedGen C1866077, MONDO:0011163, OMIM 601887.
Hypokalemic periodic paralysis, type 1. Also called: HypoPP; Hypokalemic Periodic Paralysis Type 1 (AD). Identifiers: Orphanet 681, MedGen C3714580, MONDO:0042979, OMIM 170400.
Malignant hyperthermia of anesthesia. Also called: Anesthesic-triggered malignant hyperthermia. Identifiers: Orphanet 423, MedGen C0024591, MONDO:0018493, HP:0034733.

Allele frequency attached by ClinVar (database versions not stated): TOPMed 0.00006.
gnomAD v4.1: 11 of 1,608,584 alleles (0.00068%); highest among the groups gnomAD compares: East Asian, 0.022%; no homozygotes.

Submissions (2):

Labcorp Genetics (formerly Invitae), Labcorp
Classification: Likely benign for Hypokalemic periodic paralysis, type 1; Malignant hyperthermia, susceptibility to, 5. Last evaluated: 2023-06-03. Review status: criteria provided, single submitter. Criteria: Invitae Variant Classification Sherloc (09022015). Collection method: clinical testing. Allele origin: germline.

CSER _CC_NCGL, University of Washington
Classification: Uncertain significance for Malignant hyperthermia. Last evaluated: 2016-10-01. Review status: criteria provided, single submitter. Criteria: Amendola et al. (Genome Res. 2015). Collection method: research. Allele origin: germline. Affected: no. Study: CSER - NEXT Medicine variant annotation.
Comment: This interpretation considers GERP score and allele frequency data, in addition to published reports of the variant in the literature, available at the time of review.